The following is an entry in ClinVar:

ClinVar aggregate classification (germline): Uncertain significance. Review status: criteria provided, multiple submitters, no conflicts (2 of 4 stars). 3 submissions from 3 submitters: Uncertain significance (3). Last evaluated 2025-11-05.

Conditions:
Hereditary cancer-predisposing syndrome. Also called: Hereditary neoplastic syndrome; Tumor predisposition; Hereditary Cancer Syndrome; Neoplastic Syndromes, Hereditary. Identifiers: Orphanet 140162, MedGen C0027672, MeSH D009386, MONDO:0015356.

Submissions (3):

Quest Diagnostics Nichols Institute San Juan Capistrano
Classification: Uncertain significance. Last evaluated: 2025-11-05. Review status: criteria provided, single submitter. Criteria: Quest Diagnostics criteria. Collection method: clinical testing. Allele origin: unknown.
Comment: The RAD50 c.2079G>C (p.Glu693Asp) variant has not been reported in individuals with RAD50-related conditions in the published literature. This variant has not been reported in large, multi-ethnic general populations (Genome Aggregation Database). Analysis of this variant using bioinformatics tools for the prediction of the effect of amino acid changes on protein structure and function yielded conflicting predictions that this variant is deleterious or benign. Based on the available information, we are unable to determine the clinical significance of this variant.

Ambry Genetics
Classification: Uncertain significance for Hereditary cancer-predisposing syndrome. Last evaluated: 2024-07-26. Review status: criteria provided, single submitter. Criteria: Ambry Variant Classification Scheme 2023. Collection method: clinical testing. Allele origin: germline.
Comment: The p.E693D variant (also known as c.2079G>C), located in coding exon 13 of the RAD50 gene, results from a G to C substitution at nucleotide position 2079. The glutamic acid at codon 693 is replaced by aspartic acid, an amino acid with highly similar properties. This amino acid position is conserved. In addition, this alteration is predicted to be tolerated by in silico analysis. Based on the available evidence, the clinical significance of this variant remains unclear.

Labcorp Genetics (formerly Invitae), Labcorp
Classification: Uncertain significance for Hereditary cancer-predisposing syndrome. Last evaluated: 2022-10-17. Review status: criteria provided, single submitter. Criteria: Invitae Variant Classification Sherloc (09022015). Collection method: clinical testing. Allele origin: germline.
Comment: ClinVar contains an entry for this variant (Variation ID: 220807). In summary, the available evidence is currently insufficient to determine the role of this variant in disease. Therefore, it has been classified as a Variant of Uncertain Significance. Advanced modeling of protein sequence and biophysical properties (such as structural, functional, and spatial information, amino acid conservation, physicochemical variation, residue mobility, and thermodynamic stability) performed at Invitae indicates that this missense variant is not expected to disrupt RAD50 protein function. This variant has not been reported in the literature in individuals affected with RAD50-related conditions. This variant is not present in population databases (gnomAD no frequency). This sequence change replaces glutamic acid, which is acidic and polar, with aspartic acid, which is acidic and polar, at codon 693 of the RAD50 protein (p.Glu693Asp).

NM_005732.4(RAD50):c.2079G>C (p.Glu693Asp)

Gene: RAD50 (RAD50 double strand break repair protein; plus strand). Cytogenetic location: 5q31.1.
Variant type: single nucleotide variant.
Coding change: c.2079G>C on transcript NM_005732.4 (MANE Select); coding-DNA position 2079, G replaced by C.
Protein change: p.Glu693Asp; replaces glutamic acid 693 with aspartic acid.
Molecular consequence: missense variant.
Genome position (GRCh38, 1-based): chr5:132,595,682, G>C. VCF-style: chr5-132595682-G-C. GRCh37 (hg19) VCF-style: chr5-131931374-G-C.
Other names: short protein forms E693D.
Identifiers: ClinVar variation 220807 (VCV000220807.11), dbSNP rs864622661, ClinGen allele CA350016.
Genomic context (GRCh38, chr5:132,595,682, plus strand): 5'-AACAGACGAAAACCAGTCATGTTGCCCCGTTTGTCAGAGAGTTTTTCAGACAGAGGCTGA[G>C]TTACAAGAAGTCATCAGTGATTTGCAGTCTAAACTGCGACTTGCTCCAGATAAACTCAAG-3'
Protein context (NP_005723.2, residues 683-703): VCQRVFQTEA[Glu693Asp]LQEVISDLQS